The following is an entry in ClinVar:

ClinVar aggregate classification (germline): Uncertain significance. Review status: criteria provided, multiple submitters, no conflicts (2 of 4 stars). 4 submissions from 4 submitters: Uncertain significance (4). Last evaluated 2025-06-26.

Conditions:
Cardiac arrhythmia. Also called: Arrhythmia; Cardiac rhythm disease. Identifiers: MedGen C0003811, MONDO:0007263, HP:0011675.
Cardiovascular phenotype. Identifiers: MedGen CN230736.
Jervell and Lange-Nielsen syndrome 1 (JLNS1). Also called: DEAFNESS, CONGENITAL, AND FUNCTIONAL HEART DISEASE; CARDIOAUDITORY SYNDROME OF JERVELL AND LANGE-NIELSEN; PROLONGED QT INTERVAL IN EKG AND SUDDEN DEATH; SURDO-CARDIAC SYNDROME. Identifiers: Orphanet 768, Orphanet 90647, MedGen C4551509, MONDO:0024540, OMIM 220400.
Atrial fibrillation, familial, 3 (ATFB3). Identifiers: MedGen C1837014, MONDO:0011857, OMIM 607554.
Beckwith-Wiedemann syndrome (BWS). Also called: EMG SYNDROME; Exomphalos macroglossia gigantism syndrome. Identifiers: Orphanet 116, MedGen C0004903, MONDO:0007534, OMIM 130650.
Short QT syndrome type 2. Identifiers: Orphanet 51083, MedGen C1865019, MONDO:0012313, OMIM 609621.
Long QT syndrome 1 (LQT1). Identifiers: Orphanet 101016, Orphanet 768, MedGen C4551647, MONDO:0100316, OMIM 192500, MONDO:0008646.

Allele frequency attached by ClinVar (database versions not stated): gnomAD exomes 0.00001; TOPMed below 0.00001; gnomAD 0.00001.
gnomAD v4.1: 12 of 1,612,446 alleles (0.00074%); highest among the groups gnomAD compares: Non-Finnish European, 0.001%; no homozygotes.

Submissions (4):

Color Diagnostics, LLC DBA Color Health
Classification: Uncertain significance for Cardiac arrhythmia. Last evaluated: 2025-06-26. Review status: criteria provided, single submitter. Criteria: ACMG Guidelines, 2015. Collection method: clinical testing. Allele origin: germline.
Comment: This missense variant replaces leucine with phenylalanine at codon 187 of the KCNQ1 protein. Computational prediction is inconclusive regarding the impact of this variant on protein structure and function. To our knowledge, functional studies have not been reported for this variant. This variant has been reported in an individual affected with epilepsy (PMID: 39363051). This variant has been identified in 1/31382 chromosomes in the general population by the Genome Aggregation Database (gnomAD). The available evidence is insufficient to determine the role of this variant in disease conclusively. Therefore, this variant is classified as a Variant of Uncertain Significance.

Ambry Genetics
Classification: Uncertain significance for Cardiovascular phenotype. Last evaluated: 2023-01-17. Review status: criteria provided, single submitter. Criteria: Ambry Variant Classification Scheme 2023. Collection method: clinical testing. Allele origin: germline.
Comment: The p.L187F variant (also known as c.559C>T), located in coding exon 3 of the KCNQ1 gene, results from a C to T substitution at nucleotide position 559. The leucine at codon 187 is replaced by phenylalanine, an amino acid with highly similar properties. This amino acid position is poorly conserved in available vertebrate species. In addition, the in silico prediction for this alteration is inconclusive. Since supporting evidence is limited at this time, the clinical significance of this alteration remains unclear.

Fulgent Genetics
Classification: Uncertain significance for Beckwith-Wiedemann syndrome; Long QT syndrome 1; Jervell and Lange-Nielsen syndrome 1; Atrial fibrillation, familial, 3; Short QT syndrome type 2. Last evaluated: 2021-09-23. Review status: criteria provided, single submitter. Criteria: ACMG Guidelines, 2015. Collection method: clinical testing. Allele origin: unknown.

GeneDx
Classification: Uncertain significance. Last evaluated: 2019-10-03. Review status: criteria provided, single submitter. Criteria: GeneDx Variant Classification Process June 2021. Collection method: clinical testing. Allele origin: germline. Affected: yes.
Comment: Not observed at a significant frequency in large population cohorts (Lek et al., 2016); In silico analysis, which includes protein predictors and evolutionary conservation, supports that this variant does not alter protein structure/function; Has not been previously published as pathogenic or benign to our knowledge

Literature cited by the submitters: PubMed 39363051 (cited by Color Diagnostics, LLC DBA Color Health).

NM_000218.3(KCNQ1):c.559C>T (p.Leu187Phe)

Gene: KCNQ1 (potassium voltage-gated channel subfamily Q member 1; plus strand). Cytogenetic location: 11p15.5.
Variant type: single nucleotide variant.
Coding change: c.559C>T on transcript NM_000218.3 (MANE Select); coding-DNA position 559, C replaced by T.
Protein change: p.Leu187Phe; replaces leucine 187 with phenylalanine.
Molecular consequence: missense variant.
Genome position (GRCh38, 1-based): chr11:2,570,709, C>T. VCF-style: chr11-2570709-C-T. GRCh37 (hg19) VCF-style: chr11-2591939-C-T.
Other names: c.559C>T, p.Leu187Phe (NM_001406836.1); c.289C>T, p.Leu97Phe (NM_001406837.1); c.178C>T, p.Leu60Phe (NM_181798.2); short protein forms L187F, L60F, L97F.
Identifiers: ClinVar variation 1309157 (VCV001309157.8), dbSNP rs1282771390, ClinGen allele CA379129942.